The following is an entry in ClinVar:

ClinVar aggregate classification (germline): Uncertain significance (1 of 4 stars; one submission).

Submission:

GeneDx
Classification: Uncertain significance. Last evaluated: 2024-02-02. Review status: criteria provided, single submitter. Criteria: GeneDx Variant Classification Process June 2021. Collection method: clinical testing. Allele origin: germline. Affected: yes.
Comment: Not observed at significant frequency in large population cohorts (gnomAD); In silico analysis supports that this missense variant does not alter protein structure/function; Has not been previously published as pathogenic or benign to our knowledge

NM_001371928.1(AHDC1):c.1254G>T (p.Met418Ile)

Gene: AHDC1 (AT-hook DNA binding motif containing 1; minus strand). Cytogenetic location: 1p36.11.
Variant type: single nucleotide variant.
Coding change: c.1254G>T on transcript NM_001371928.1 (MANE Select); coding-DNA position 1254, G replaced by T.
Protein change: p.Met418Ile; replaces methionine 418 with isoleucine.
Molecular consequence: missense variant.
Genome position (GRCh38, 1-based): chr1:27,550,862, C>A on the plus strand (G>T on the coding strand, the complement: AHDC1 is on the minus strand). VCF-style: chr1-27550862-C-A. GRCh37 (hg19) VCF-style: chr1-27877373-C-A.
Other names: c.1254G>T, p.Met418Ile (NM_001029882.3); short protein forms M418I.
Identifiers: ClinVar variation 3368474 (VCV003368474.1).